The following is an entry in ClinVar:

ClinVar aggregate classification (germline): Uncertain significance. Review status: criteria provided, multiple submitters, no conflicts (2 of 4 stars). 7 submissions from 7 submitters: Uncertain significance (7). Last evaluated 2025-10-31.

Conditions:
JAG1-related disorder. Also called: JAG1-related condition; JAG1-related disorders.
Alagille syndrome due to a JAG1 point mutation. Also called: Alagille Syndrome 1; HEPATIC DUCTULAR HYPOPLASIA, SYNDROMATIC; JAG1-Related Alagille Syndrome. Identifiers: Orphanet 261619, Orphanet 52, MedGen C1956125, MONDO:0016862, OMIM 118450.
Deafness, congenital heart defects, and posterior embryotoxon (DCHE). Identifiers: MedGen C1866053, MONDO:0060713, OMIM 617992.
Charcot-Marie-Tooth disease, axonal, Type 2HH. Also called: CHARCOT-MARIE-TOOTH NEUROPATHY, TYPE 2HH. Identifiers: MedGen C5562003, MONDO:0030458, OMIM 619574.
Tetralogy of Fallot (TOF). Identifiers: Orphanet 3303, MedGen C0039685, MONDO:0008542, OMIM 187500, HP:0001636.
Cardiovascular phenotype. Identifiers: MedGen CN230736.

Allele frequency attached by ClinVar (database versions not stated): TOPMed 0.00001.
gnomAD v4.1: 4 of 1,608,056 alleles (0.00025%); highest among the groups gnomAD compares: East Asian, 0.0022%; no homozygotes.

Submissions (7):

PreventionGenetics, part of Exact Sciences
Classification: Uncertain significance for JAG1-related condition. Last evaluated: 2025-10-31. Review status: criteria provided, single submitter. Criteria: ACMG Guidelines, 2015. Collection method: clinical testing. Allele origin: germline.
Comment: The JAG1 c.1393C>T variant is predicted to result in the amino acid substitution p.Arg465Trp. To our knowledge, this variant has not been reported in the literature or in a large population database (gnomAD), indicating this variant is rare. At this time, the clinical significance of this variant is uncertain due to the absence of conclusive functional and genetic evidence.

Women's Health and Genetics/Laboratory Corporation of America, LabCorp
Classification: Uncertain significance. Last evaluated: 2024-12-20. Review status: criteria provided, single submitter. Criteria: LabCorp Variant Classification Summary - May 2015. Collection method: clinical testing. Allele origin: germline.
Comment: Variant summary: JAG1 c.1393C>T (p.Arg465Trp) results in a non-conservative amino acid change located in the epidermal growth factor-like domain (IPR000742) of the encoded protein sequence. Five of five in-silico tools predict a damaging effect of the variant on protein function. Consensus agreement among computation tools predict no significant impact on normal splicing. However, these predictions have yet to be confirmed by functional studies. The variant was absent in 251380 control chromosomes. The available data on variant occurrences in the general population are insufficient to allow any conclusion about variant significance. To our knowledge, no occurrence of c.1393C>T in individuals affected with Alagille Syndrome 1 and no experimental evidence demonstrating its impact on protein function have been reported. ClinVar contains an entry for this variant (Variation ID: 593274). Based on the evidence outlined above, the variant was classified as uncertain significance.

Ambry Genetics
Classification: Uncertain significance for Cardiovascular phenotype. Last evaluated: 2024-09-30. Review status: criteria provided, single submitter. Criteria: Ambry Variant Classification Scheme 2023. Collection method: clinical testing. Allele origin: germline.

Labcorp Genetics (formerly Invitae), Labcorp
Classification: Uncertain significance for Alagille syndrome due to a JAG1 point mutation. Last evaluated: 2024-07-12. Review status: criteria provided, single submitter. Criteria: Invitae Variant Classification Sherloc (09022015). Collection method: clinical testing. Allele origin: germline.
Comment: This sequence change replaces arginine, which is basic and polar, with tryptophan, which is neutral and slightly polar, at codon 465 of the JAG1 protein (p.Arg465Trp). This variant is not present in population databases (gnomAD no frequency). This variant has not been reported in the literature in individuals affected with JAG1-related conditions. ClinVar contains an entry for this variant (Variation ID: 593274). An algorithm developed to predict the effect of missense changes on protein structure and function (PolyPhen-2) suggests that this variant is likely to be disruptive. In summary, the available evidence is currently insufficient to determine the role of this variant in disease. Therefore, it has been classified as a Variant of Uncertain Significance.

Blueprint Genetics
Classification: Uncertain significance. Last evaluated: 2023-08-02. Review status: criteria provided, single submitter. Criteria: ACMG Guidelines, 2015. Collection method: clinical testing. Allele origin: germline.

Fulgent Genetics
Classification: Uncertain significance for Alagille syndrome due to a JAG1 point mutation; Tetralogy of Fallot; Deafness, congenital heart defects, and posterior embryotoxon; Charcot-Marie-Tooth disease, axonal, Type 2HH. Last evaluated: 2021-08-04. Review status: criteria provided, single submitter. Criteria: ACMG Guidelines, 2015. Collection method: clinical testing. Allele origin: unknown.

Eurofins Ntd Llc (ga)
Classification: Uncertain significance. Last evaluated: 2017-07-17. Review status: criteria provided, single submitter. Criteria: EGL Classification Definitions 2015. Collection method: clinical testing. Allele origin: germline. Observed: 1 variant allele, 1 heterozygote.

NM_000214.3(JAG1):c.1393C>T (p.Arg465Trp)

Gene: JAG1 (jagged canonical Notch ligand 1; minus strand). Cytogenetic location: 20p12.2.
Variant type: single nucleotide variant.
Coding change: c.1393C>T on transcript NM_000214.3 (MANE Select); coding-DNA position 1393, C replaced by T.
Protein change: p.Arg465Trp; replaces arginine 465 with tryptophan.
Molecular consequence: missense variant.
Genome position (GRCh38, 1-based): chr20:10,649,063, G>A on the plus strand (C>T on the coding strand, the complement: JAG1 is on the minus strand). VCF-style: chr20-10649063-G-A. GRCh37 (hg19) VCF-style: chr20-10629711-G-A.
Other names: c.1393C>T, p.Arg465Trp (LRG_1191t1); short protein forms R465W.
Identifiers: ClinVar variation 593274 (VCV000593274.20), dbSNP rs937263997, ClinGen allele CA311347475.